The following is an entry in ClinVar:

ClinVar aggregate classification (germline): Likely benign. Review status: criteria provided, multiple submitters, no conflicts (2 of 4 stars). 3 submissions from 3 submitters: Likely benign (3). Last evaluated 2025-06-23.

Conditions:
Hereditary cancer-predisposing syndrome. Also called: Tumor predisposition; Hereditary neoplastic syndrome; Neoplastic Syndromes, Hereditary; Hereditary Cancer Syndrome. Identifiers: Orphanet 140162, MedGen C0027672, MeSH D009386, MONDO:0015356.
Hereditary breast ovarian cancer syndrome. Also called: Hereditary breast and/or ovarian cancer syndrome; Hereditary breast and ovarian cancer syndrome; Hereditary breast and ovarian cancer syndrome (HBOC); Hereditary breast and ovarian cancer; BRCA1- and BRCA2-Associated Hereditary Breast and Ovarian Cancer; Breast and ovarian cancer. Identifiers: Orphanet 145, MedGen C0677776, MeSH D061325, MONDO:0003582. Disease mechanism: loss of function.

Submissions (3):

Ambry Genetics
Classification: Likely benign for Hereditary cancer-predisposing syndrome. Last evaluated: 2025-06-23. Review status: criteria provided, single submitter. Criteria: Ambry Variant Classification Scheme 2023. Collection method: clinical testing. Allele origin: germline.

Labcorp Genetics (formerly Invitae), Labcorp
Classification: Likely benign for Hereditary breast ovarian cancer syndrome. Last evaluated: 2025-05-04. Review status: criteria provided, single submitter. Criteria: Invitae Variant Classification Sherloc (09022015). Collection method: clinical testing. Allele origin: germline.

GeneDx
Classification: Likely benign. Last evaluated: 2016-06-14. Review status: criteria provided, single submitter. Criteria: GeneDx Variant Classification (06012015). Collection method: clinical testing. Allele origin: germline. Affected: yes.
Comment: This variant is considered likely benign or benign based on one or more of the following criteria: it is a conservative change, it occurs at a poorly conserved position in the protein, it is predicted to be benign by multiple in silico algorithms, and/or has population frequency not consistent with disease.

NM_000059.4(BRCA2):c.8226T>C (p.Asn2742=)

Gene: BRCA2 (BRCA2 DNA repair associated; plus strand). Cytogenetic location: 13q13.1.
Variant type: single nucleotide variant.
Coding change: c.8226T>C on transcript NM_000059.4 (MANE Select); coding-DNA position 8226, T replaced by C.
Protein change: p.Asn2742=; no amino-acid change (asparagine 2742 retained).
Molecular consequence: synonymous variant.
Genome position (GRCh38, 1-based): chr13:32,363,428, T>C. VCF-style: chr13-32363428-T-C. GRCh37 (hg19) VCF-style: chr13-32937565-T-C.
Identifiers: ClinVar variation 379009 (VCV000379009.3), dbSNP rs1057520461, ClinGen allele CA16607489.